The following is an entry in ClinVar:

NM_000090.4(COL3A1):c.4007T>G (p.Phe1336Cys)

Gene: COL3A1 (collagen type III alpha 1 chain; plus strand). Cytogenetic location: 2q32.2.
Variant type: single nucleotide variant.
Coding change: c.4007T>G on transcript NM_000090.4 (MANE Select); coding-DNA position 4007, T replaced by G.
Protein change: p.Phe1336Cys; replaces phenylalanine 1336 with cysteine.
Molecular consequence: missense variant.
Genome position (GRCh38, 1-based): chr2:189,010,361, T>G. VCF-style: chr2-189010361-T-G. GRCh37 (hg19) VCF-style: chr2-189875087-T-G.
Other names: short protein forms F1336C.
Identifiers: ClinVar variation 2058651 (VCV002058651.5), dbSNP rs1414486955, ClinGen allele CA349848955.
Genomic context (GRCh38, chr2:189,010,361, plus strand): 5'-GGACAGATTCTAGTGCTGAGAAGAAACACGTTTGGTTTGGAGAGTCCATGGATGGTGGTT[T>G]TCAGGTAGGAAAGGATATACCTTTTTTTAAATAAGTCACCTCTATATCCTTTGTATTCTT-3'
Protein context (NP_000081.2, residues 1326-1346): VWFGESMDGG[Phe1336Cys]QFSYGNPELP

ClinVar aggregate classification (germline): Uncertain significance. Review status: criteria provided, multiple submitters, no conflicts (2 of 4 stars). 4 submissions from 4 submitters: Uncertain significance (4). Last evaluated 2026-07-06.

Conditions:
Ehlers-Danlos syndrome, type 4 (EDSVASC). Also called: Ehlers-Danlos syndrome vascular type; Ehlers Danlos syndrome, ecchymotic type; Ehlers Danlos syndrome, arterial type; Ehlers Danlos syndrome, Sack-Barabas type; Ehlers-Danlos Syndrome Type IV. Identifiers: Orphanet 286, MedGen C0268338, MONDO:0017314, OMIM 130050.
Familial thoracic aortic aneurysm and aortic dissection (TAAD). Also called: Thoracic aortic aneurysms and dissections. Identifiers: Orphanet 91387, MedGen C4707243, MONDO:0019625.

Submissions (4):

Ambry Genetics
Classification: Uncertain significance for Familial thoracic aortic aneurysm and aortic dissection. Last evaluated: 2026-07-06. Review status: criteria provided, single submitter. Criteria: Ambry Variant Classification Scheme 2023. Collection method: clinical testing. Allele origin: germline.
Comment: The p.F1336C variant (also known as c.4007T>G), located in coding exon 49 of the COL3A1 gene, results from a T to G substitution at nucleotide position 4007. The phenylalanine at codon 1336 is replaced by cysteine, an amino acid with highly dissimilar properties. This amino acid position is conserved. In addition, the in silico prediction for this alteration is inconclusive. Based on the available evidence, the clinical significance of this variant remains unclear.

Labcorp Genetics (formerly Invitae), Labcorp
Classification: Uncertain significance for Ehlers-Danlos syndrome, type 4. Last evaluated: 2025-06-01. Review status: criteria provided, single submitter. Criteria: Invitae Variant Classification Sherloc (09022015). Collection method: clinical testing. Allele origin: germline.
Comment: This sequence change replaces phenylalanine, which is neutral and non-polar, with cysteine, which is neutral and slightly polar, at codon 1336 of the COL3A1 protein (p.Phe1336Cys). This variant is present in population databases (no rsID available, gnomAD 0.007%). This variant has not been reported in the literature in individuals affected with COL3A1-related conditions. ClinVar contains an entry for this variant (Variation ID: 2058651). Invitae Evidence Modeling of protein sequence and biophysical properties (such as structural, functional, and spatial information, amino acid conservation, physicochemical variation, residue mobility, and thermodynamic stability) has been performed for this missense variant. However, the output from this modeling did not meet the statistical confidence thresholds required to predict the impact of this variant on COL3A1 protein function. In summary, the available evidence is currently insufficient to determine the role of this variant in disease. Therefore, it has been classified as a Variant of Uncertain Significance.

ARUP Laboratories, Molecular Genetics and Genomics, ARUP Laboratories
Classification: Uncertain significance. Last evaluated: 2024-05-29. Review status: criteria provided, single submitter. Criteria: ARUP Molecular Germline Variant Investigation Process 2024. Collection method: clinical testing. Allele origin: germline.

GeneDx
Classification: Uncertain significance. Last evaluated: 2023-05-25. Review status: criteria provided, single submitter. Criteria: GeneDx Variant Classification Process June 2021. Collection method: clinical testing. Allele origin: germline. Affected: yes.
Comment: Not observed at significant frequency in large population cohorts (gnomAD); In silico analysis supports that this missense variant has a deleterious effect on protein structure/function; Has not been previously published as pathogenic or benign to our knowledge